The following is an entry in ClinVar:

NM_005219.5(DIAPH1):c.1044+1G>A

Gene: DIAPH1 (diaphanous related formin 1; minus strand). Cytogenetic location: 5q31.3.
Variant type: single nucleotide variant.
Coding change: c.1044+1G>A on transcript NM_005219.5 (MANE Select); the canonical splice donor site of the intron after coding-DNA position 1044, G replaced by A.
Molecular consequence: splice donor variant.
Genome position (GRCh38, 1-based): chr5:141,578,514, C>T on the plus strand (G>A on the coding strand, the complement: DIAPH1 is on the minus strand). VCF-style: chr5-141578514-C-T. GRCh37 (hg19) VCF-style: chr5-140958081-C-T.
Other names: c.1017+1G>A (NM_001079812.3); c.1044+1G>A (NM_001314007.2).
Identifiers: ClinVar variation 3755105 (VCV003755105.2).

ClinVar aggregate classification (germline): Likely pathogenic (1 of 4 stars; one submission).

Conditions:
Autosomal dominant nonsyndromic hearing loss 1. Also called: KONIGSMARK SYNDROME; DEAFNESS, AUTOSOMAL DOMINANT 1, WITH OR WITHOUT THROMBOCYTOPENIA. Identifiers: Orphanet 90635, MedGen C1852282, MONDO:0007424, OMIM 124900.
Progressive microcephaly-seizures-cortical blindness-developmental delay syndrome. Also called: Seizures, cortical blindness, and microcephaly syndrome. Identifiers: Orphanet 477814, MedGen C5567650, MONDO:0014714, OMIM 616632.

Submission:

Labcorp Genetics (formerly Invitae), Labcorp
Classification: Likely pathogenic for Progressive microcephaly-seizures-cortical blindness-developmental delay syndrome; Autosomal dominant nonsyndromic hearing loss 1. Last evaluated: 2024-03-13. Review status: criteria provided, single submitter. Criteria: Invitae Variant Classification Sherloc (09022015). Collection method: clinical testing. Allele origin: germline.
Comment: This sequence change affects a donor splice site in intron 10 of the DIAPH1 gene. It is expected to disrupt RNA splicing. Variants that disrupt the donor or acceptor splice site typically lead to a loss of protein function (PMID: 16199547), and loss-of-function variants in DIAPH1 are known to be pathogenic (PMID: 24781755, 26463574). This variant is not present in population databases (gnomAD no frequency). This variant has not been reported in the literature in individuals affected with DIAPH1-related conditions. Algorithms developed to predict the effect of sequence changes on RNA splicing suggest that this variant may disrupt the consensus splice site. In summary, the currently available evidence indicates that the variant is pathogenic, but additional data are needed to prove that conclusively. Therefore, this variant has been classified as Likely Pathogenic.

Literature cited by the submitters: PubMed 16199547; PubMed 24781755; PubMed 26463574.